The following is an entry in ClinVar:

NM_000127.3(EXT1):c.670G>T (p.Glu224Ter)

Gene: EXT1 (exostosin glycosyltransferase 1; minus strand). Cytogenetic location: 8q24.11.
Variant type: single nucleotide variant.
Coding change: c.670G>T on transcript NM_000127.3 (MANE Select); coding-DNA position 670, G replaced by T.
Protein change: p.Glu224Ter; replaces glutamic acid 224 with a stop codon.
Molecular consequence: nonsense.
Genome position (GRCh38, 1-based): chr8:118,110,377, C>A on the plus strand (G>T on the coding strand, the complement: EXT1 is on the minus strand). VCF-style: chr8-118110377-C-A. GRCh37 (hg19) VCF-style: chr8-119122616-C-A.
Other names: short protein forms E224*.
Identifiers: ClinVar variation 3653054 (VCV003653054.2).

ClinVar aggregate classification (germline): Pathogenic (1 of 4 stars; one submission).

Conditions:
Multiple congenital exostosis (EXT). Also called: Hereditary multiple osteochondromas; MULTIPLE CARTILAGINOUS EXOSTOSES; Hereditary multiple exostoses; Hereditary multiple exostosis; Multiple osteochondromas; Multiple exostoses. Identifiers: Orphanet 321, MedGen C0015306, MONDO:0005508, HP:0002762.

Submission:

Labcorp Genetics (formerly Invitae), Labcorp
Classification: Pathogenic for Multiple congenital exostosis. Last evaluated: 2024-06-04. Review status: criteria provided, single submitter. Criteria: Invitae Variant Classification Sherloc (09022015). Collection method: clinical testing. Allele origin: germline.
Comment: This sequence change creates a premature translational stop signal (p.Glu224*) in the EXT1 gene. It is expected to result in an absent or disrupted protein product. Loss-of-function variants in EXT1 are known to be pathogenic (PMID: 10679937, 11391482, 19810120). This variant is not present in population databases (gnomAD no frequency). This variant has not been reported in the literature in individuals affected with EXT1-related conditions. For these reasons, this variant has been classified as Pathogenic.

Literature cited by the submitters: PubMed 10679937; PubMed 11391482; PubMed 19810120.